The following is an entry in ClinVar:

ClinVar aggregate classification (germline): Conflicting classifications of pathogenicity. Review status: criteria provided, conflicting classifications (1 of 4 stars). 3 submissions from 3 submitters: Uncertain significance (2); Likely benign (1). Last evaluated 2025-10-26.

Conditions:
Dilated cardiomyopathy 1G (CMD1G). Identifiers: Orphanet 154, MedGen C1858763, MONDO:0011400, OMIM 604145.
Autosomal recessive limb-girdle muscular dystrophy type 2J (LGMDR10). Also called: Limb-girdle muscular dystrophy, type 2J; MUSCULAR DYSTROPHY, LIMB-GIRDLE, AUTOSOMAL RECESSIVE 10. Identifiers: Orphanet 140922, MedGen C1837342, MONDO:0012127, OMIM 608807.
Cardiovascular phenotype. Identifiers: MedGen CN230736.

Allele frequency attached by ClinVar (database versions not stated): ExAC 0.00002; gnomAD exomes 0.00002 and 0.00003; TOPMed 0.00002.

Submissions (3):

Labcorp Genetics (formerly Invitae), Labcorp
Classification: Uncertain significance for Dilated cardiomyopathy 1G; Autosomal recessive limb-girdle muscular dystrophy type 2J. Last evaluated: 2025-10-26. Review status: criteria provided, single submitter. Criteria: Invitae Variant Classification Sherloc (09022015). Collection method: clinical testing. Allele origin: germline.
Comment: This sequence change falls in intron 38 of the TTN gene. It does not directly change the encoded amino acid sequence of the TTN protein. It affects a nucleotide within the consensus splice site. This variant is present in population databases (rs775448783, gnomAD 0.02%). This variant has not been reported in the literature in individuals affected with TTN-related conditions. ClinVar contains an entry for this variant (Variation ID: 941823). Variants that disrupt the consensus splice site are a relatively common cause of aberrant splicing (PMID: 17576681, 9536098). Algorithms developed to predict the effect of sequence changes on RNA splicing suggest that this variant is not likely to affect RNA splicing. This variant is located in the I band of TTN (PMID: 25589632). Non-truncating variants in this region may be clinically relevant, but have not been definitively shown to cause cardiomyopathy or neuromuscular disease (PMID: 27493940, 32778822). In summary, the available evidence is currently insufficient to determine the role of this variant in disease. Therefore, it has been classified as a Variant of Uncertain Significance.

Ambry Genetics
Classification: Uncertain significance for Cardiovascular phenotype. Last evaluated: 2021-09-07. Review status: criteria provided, single submitter. Criteria: Ambry Variant Classification Scheme 2023. Collection method: clinical testing. Allele origin: germline.
Comment: The c.9025+5G>C intronic variant results from a G to C substitution 5 nucleotides after coding exon 36 in the TTN gene. This nucleotide position is well conserved in available vertebrate species. In silico splice site analysis predicts that this alteration will not have any significant effect on splicing. Since supporting evidence is limited at this time, the clinical significance of this alteration remains unclear.

GeneDx
Classification: Likely benign. Last evaluated: 2020-09-25. Review status: criteria provided, single submitter. Criteria: GeneDx Variant Classification Process June 2021. Collection method: clinical testing. Allele origin: germline. Affected: yes.

Literature cited by the submitters: PubMed 17576681 (cited by Labcorp Genetics (formerly Invitae), Labcorp); PubMed 9536098 (cited by Labcorp Genetics (formerly Invitae), Labcorp); PubMed 25589632 (cited by Labcorp Genetics (formerly Invitae), Labcorp); PubMed 27493940 (cited by Labcorp Genetics (formerly Invitae), Labcorp); PubMed 32778822 (cited by Labcorp Genetics (formerly Invitae), Labcorp).

NM_001267550.2(TTN):c.9163+5G>C

Gene: TTN (titin; minus strand). Cytogenetic location: 2q31.2.
Variant type: single nucleotide variant.
Coding change: c.9163+5G>C on transcript NM_001267550.2 (MANE Select); 5 bases into the intron after coding-DNA position 9163, G replaced by C.
Molecular consequence: intron variant.
Genome position (GRCh38, 1-based): chr2:178,768,668, C>G on the plus strand (G>C on the coding strand, the complement: TTN is on the minus strand). VCF-style: chr2-178768668-C-G. GRCh37 (hg19) VCF-style: chr2-179633395-C-G.
Other names: c.9025+5G>C (NM_003319.4, NM_133437.4, NM_133432.3); c.9163+5G>C (NM_133378.4, NM_001256850.1, NM_133379.5).
Identifiers: ClinVar variation 941823 (VCV000941823.12), dbSNP rs775448783, ClinGen allele CA2004438.